The following is an entry in ClinVar:

NM_153717.3(EVC):c.2938G>A (p.Gly980Arg)

Gene: EVC (EvC ciliary complex subunit 1; plus strand). Cytogenetic location: 4p16.2.
Variant type: single nucleotide variant.
Coding change: c.2938G>A on transcript NM_153717.3 (MANE Select); coding-DNA position 2938, G replaced by A.
Protein change: p.Gly980Arg; replaces glycine 980 with arginine.
Molecular consequence: missense variant.
Genome position (GRCh38, 1-based): chr4:5,810,996, G>A. VCF-style: chr4-5810996-G-A. GRCh37 (hg19) VCF-style: chr4-5812723-G-A.
Other names: c.2935G>A, p.Gly979Arg (NM_001306090.2); short protein forms G979R, G980R.
Identifiers: ClinVar variation 4537169 (VCV004537169.1).

ClinVar aggregate classification (germline): Uncertain significance (1 of 4 stars; one submission).

gnomAD v4.1: 6 of 1,613,134 alleles (0.00037%); highest among the groups gnomAD compares: African/African-American, 0.0053%; no homozygotes.

Submission:

Women's Health and Genetics/Laboratory Corporation of America, LabCorp
Classification: Uncertain significance. Last evaluated: 2025-11-26. Review status: criteria provided, single submitter. Criteria: LabCorp Variant Classification Summary - May 2015. Collection method: clinical testing. Allele origin: germline.
Comment: Variant summary: EVC c.2938G>A (p.Gly980Arg) results in a non-conservative amino acid change in the encoded protein sequence. Algorithms developed to predict the effect of missense changes on protein structure and function are either unavailable or do not agree on the potential impact of this missense change. The variant allele was found at a frequency of 8e-06 in 249854 control chromosomes. The available data on variant occurrences in the general population are insufficient to allow any conclusion about variant significance. To our knowledge, no occurrence of c.2938G>A in individuals affected with EVC-related conditions and no experimental evidence demonstrating its impact on protein function have been reported. No submitters have cited clinical-significance assessments for this variant to ClinVar. Based on the evidence outlined above, the variant was classified as uncertain significance.